The following is an entry in ClinVar:

NM_003000.3(SDHB):c.767G>T (p.Gly256Val)

Gene: SDHB (succinate dehydrogenase complex iron sulfur subunit B; minus strand). Cytogenetic location: 1p36.13.
Variant type: single nucleotide variant.
Coding change: c.767G>T on transcript NM_003000.3 (MANE Select); coding-DNA position 767, G replaced by T.
Protein change: p.Gly256Val; replaces glycine 256 with valine.
Molecular consequence: missense variant.
Genome position (GRCh38, 1-based): chr1:17,018,957, C>A on the plus strand (G>T on the coding strand, the complement: SDHB is on the minus strand). VCF-style: chr1-17018957-C-A. GRCh37 (hg19) VCF-style: chr1-17345452-C-A.
Other names: c.713G>T, p.Gly238Val (NM_001407361.1); short protein forms G256V, G238V.
Identifiers: ClinVar variation 4785640 (VCV004785640.1).

ClinVar aggregate classification (germline): Uncertain significance (1 of 4 stars; one submission).

Conditions:
Pheochromocytoma. Also called: MAX-Related Hereditary Paraganglioma-Pheochromocytoma Syndrome. Identifiers: Orphanet 29072, MedGen C0031511, MONDO:0008233, OMIM 171300, HP:0002666.
Gastrointestinal stromal tumor. Also called: Gastrointestinal stroma tumor; Gastrointestinal stromal tumor, somatic. Identifiers: Orphanet 44890, MedGen C0238198, MeSH D046152, MONDO:0011719, OMIM 606764, HP:0100723.
Pheochromocytoma/paraganglioma syndrome 4. Also called: CAROTID BODY TUMORS AND MULTIPLE EXTRAADRENAL PHEOCHROMOCYTOMAS; PARAGANGLIOMA, FAMILIAL MALIGNANT; PARAGANGLIOMAS, HEREDITARY EXTRAADRENAL; PHEOCHROMOCYTOMA, FAMILIAL EXTRAADRENAL; Paragangliomas 4; SDHB-Related Hereditary Paraganglioma-Pheochromocytoma Syndrome (Paragangliomas 4). Identifiers: Orphanet 29072, MedGen C1861848, MONDO:0007273, OMIM 115310.

Submission:

Labcorp Genetics (formerly Invitae), Labcorp
Classification: Uncertain significance for Gastrointestinal stromal tumor; Pheochromocytoma/paraganglioma syndrome 4; Pheochromocytoma. Last evaluated: 2025-07-22. Review status: criteria provided, single submitter. Criteria: Invitae Variant Classification Sherloc (09022015). Collection method: clinical testing. Allele origin: germline.
Comment: This sequence change replaces glycine, which is neutral and non-polar, with valine, which is neutral and non-polar, at codon 256 of the SDHB protein (p.Gly256Val). This variant is not present in population databases (gnomAD no frequency). This variant has not been reported in the literature in individuals affected with SDHB-related conditions. An algorithm developed to predict the effect of missense changes on protein structure and function (PolyPhen-2) suggests that this variant is likely to be disruptive. In summary, the available evidence is currently insufficient to determine the role of this variant in disease. Therefore, it has been classified as a Variant of Uncertain Significance.